The following is an entry in ClinVar:

NM_004991.4(MECOM):c.3668T>G (p.Met1223Arg)

Gene: MECOM (MDS1 and EVI1 complex locus; minus strand). Cytogenetic location: 3q26.2.
Variant type: single nucleotide variant.
Coding change: c.3668T>G on transcript NM_004991.4 (MANE Select); coding-DNA position 3668, T replaced by G.
Protein change: p.Met1223Arg; replaces methionine 1223 with arginine.
Molecular consequence: missense variant.
Genome position (GRCh38, 1-based): chr3:169,084,961, A>C on the plus strand (T>G on the coding strand, the complement: MECOM is on the minus strand). VCF-style: chr3-169084961-A-C. GRCh37 (hg19) VCF-style: chr3-168802749-A-C.
Other names: c.3299T>G, p.Met1100Arg (NM_001105077.4); c.3104T>G, p.Met1035Arg (NM_001105078.4, NM_001205194.2, NM_001366469.2 and 1 more transcripts); c.3080T>G, p.Met1027Arg (NM_001163999.2, NM_001366470.2); c.3077T>G, p.Met1026Arg (NM_001164000.2, NM_001366471.2, NM_001366472.2); c.3641T>G, p.Met1214Arg (NM_001366466.2); c.3107T>G, p.Met1036Arg (NM_001366467.2, NM_001366468.2); c.2669T>G, p.Met890Arg (NM_001366473.2); c.2105T>G, p.Met702Arg (NM_001366474.2); short protein forms M1035R, M1223R, M702R, M1026R, M890R, M1100R, M1027R, M1036R.
Identifiers: ClinVar variation 5024118 (VCV005024118.1).

ClinVar aggregate classification (germline): Uncertain significance (1 of 4 stars; one submission).

Conditions:
Inborn genetic diseases. Identifiers: MedGen C0950123, MeSH D030342.

Submission:

Ambry Genetics
Classification: Uncertain significance for Inborn genetic diseases. Last evaluated: 2026-06-25. Review status: criteria provided, single submitter. Criteria: Ambry Variant Classification Scheme 2023. Collection method: clinical testing. Allele origin: germline.
Comment: The p.M1223R variant (also known as c.3668T>G), located in coding exon 17 of the MECOM gene, results from a T to G substitution at nucleotide position 3668. The methionine at codon 1223 is replaced by arginine, an amino acid with similar properties. This amino acid position is conserved. In addition, the in silico prediction for this alteration is inconclusive. Based on the available evidence, the clinical significance of this variant remains unclear.